The following is an entry in ClinVar:

NM_000368.5(TSC1):c.643A>G (p.Thr215Ala)

Gene: TSC1 (TSC complex subunit 1; minus strand). Cytogenetic location: 9q34.13.
Variant type: single nucleotide variant.
Coding change: c.643A>G on transcript NM_000368.5 (MANE Select); coding-DNA position 643, A replaced by G.
Protein change: p.Thr215Ala; replaces threonine 215 with alanine.
Molecular consequence: missense variant.
Genome position (GRCh38, 1-based): chr9:132,921,839, T>C on the plus strand (A>G on the coding strand, the complement: TSC1 is on the minus strand). VCF-style: chr9-132921839-T-C. GRCh37 (hg19) VCF-style: chr9-135797226-T-C.
Other names: c.643A>G (NM_000368.4); c.643A>G, p.Thr215Ala (NM_001162426.2); c.490A>G, p.Thr164Ala (NM_001162427.2); c.280A>G, p.Thr94Ala (NM_001362177.2); short protein forms T164A, T215A, T94A.
Identifiers: ClinVar variation 1378822 (VCV001378822.7), dbSNP rs2132150727, ClinGen allele CA375371708.

ClinVar aggregate classification (germline): Uncertain significance. Review status: criteria provided, multiple submitters, no conflicts (2 of 4 stars). 2 submissions from 2 submitters: Uncertain significance (2). Last evaluated 2025-07-21.

Conditions:
Tuberous sclerosis 1 (TSC1). Identifiers: Orphanet 805, MedGen C1854465, MONDO:0008612, OMIM 191100.
Hereditary cancer-predisposing syndrome. Also called: Tumor predisposition; Hereditary neoplastic syndrome; Neoplastic Syndromes, Hereditary; Hereditary Cancer Syndrome. Identifiers: Orphanet 140162, MedGen C0027672, MeSH D009386, MONDO:0015356.

Submissions (2):

Labcorp Genetics (formerly Invitae), Labcorp
Classification: Uncertain significance for Tuberous sclerosis 1. Last evaluated: 2025-07-21. Review status: criteria provided, single submitter. Criteria: Invitae Variant Classification Sherloc (09022015). Collection method: clinical testing. Allele origin: germline.
Comment: This sequence change replaces threonine, which is neutral and polar, with alanine, which is neutral and non-polar, at codon 215 of the TSC1 protein (p.Thr215Ala). This variant is not present in population databases (gnomAD no frequency). This variant has not been reported in the literature in individuals affected with TSC1-related conditions. ClinVar contains an entry for this variant (Variation ID: 1378822). Invitae Evidence Modeling of protein sequence and biophysical properties (such as structural, functional, and spatial information, amino acid conservation, physicochemical variation, residue mobility, and thermodynamic stability) indicates that this missense variant is not expected to disrupt TSC1 protein function with a negative predictive value of 95%. In summary, the available evidence is currently insufficient to determine the role of this variant in disease. Therefore, it has been classified as a Variant of Uncertain Significance.

Ambry Genetics
Classification: Uncertain significance for Hereditary cancer-predisposing syndrome. Last evaluated: 2024-09-25. Review status: criteria provided, single submitter. Criteria: Ambry Variant Classification Scheme 2023. Collection method: clinical testing. Allele origin: germline.
Comment: The p.T215A variant (also known as c.643A>G), located in coding exon 5 of the TSC1 gene, results from an A to G substitution at nucleotide position 643. The threonine at codon 215 is replaced by alanine, an amino acid with similar properties. This amino acid position is conserved. In addition, this alteration is predicted to be deleterious by in silico analysis. Based on the available evidence, the clinical significance of this variant remains unclear.